The following is an entry in ClinVar:

ClinVar aggregate classification (germline): Conflicting classifications of pathogenicity. Review status: criteria provided, conflicting classifications (1 of 4 stars). 2 submissions from 2 submitters: Likely pathogenic (1); Uncertain significance (1). Last evaluated 2023-09-07.

Conditions:
Hereditary cancer-predisposing syndrome. Also called: Hereditary Cancer Syndrome; Tumor predisposition; Hereditary neoplastic syndrome; Neoplastic Syndromes, Hereditary. Identifiers: Orphanet 140162, MedGen C0027672, MeSH D009386, MONDO:0015356.

Submissions (2):

GeneDx
Classification: Likely pathogenic. Last evaluated: 2023-09-07. Review status: criteria provided, single submitter. Criteria: GeneDx Variant Classification Process June 2021. Collection method: clinical testing. Allele origin: germline.
Comment: Not observed at significant frequency in large population cohorts (gnomAD); In silico analysis supports that this missense variant has a deleterious effect on protein structure/function; Has not been previously published as pathogenic or benign to our knowledge; This variant is associated with the following publications: (PMID: 22807134, 25486365)

Ambry Genetics
Classification: Uncertain significance for Hereditary cancer-predisposing syndrome. Last evaluated: 2015-12-02. Review status: criteria provided, single submitter. Criteria: Ambry Autosomal Dominant and X-Linked criteria (10/2015). Collection method: clinical testing. Allele origin: germline. Observed: 1 variant allele.
Comment: The p.M1442R variant (also known as c.4325T>G), located in coding exon 32 of the NF1 gene, results from a T to G substitution at nucleotide position 4325. The methionine at codon 1442 is replaced by arginine, an amino acid with similar properties. This variant was not reported in population based cohorts in the following databases: Database of Single Nucleotide Polymorphisms (dbSNP), NHLBI Exome Sequencing Project (ESP), and 1000 Genomes Project. In the ESP, this variant was not observed in 6502 samples (13004 alleles) with coverage at this position. To date, this alteration has been detected with an allele frequency of approximately 0.001% (greater than 110000 alleles tested) in our clinical cohort.This amino acid position is highly conserved in available vertebrate species. In addition, this alteration is predicted to be deleterious by in silico analysis.Since supporting evidence is limited at this time, the clinical significance of p.M1442R remains unclear.

NM_001042492.3(NF1):c.4325T>G (p.Met1442Arg)

Gene: NF1 (neurofibromin 1; plus strand). Cytogenetic location: 17q11.2.
Variant type: single nucleotide variant.
Coding change: c.4325T>G on transcript NM_001042492.3 (MANE Select); coding-DNA position 4325, T replaced by G.
Protein change: p.Met1442Arg; replaces methionine 1442 with arginine.
Molecular consequence: missense variant.
Genome position (GRCh38, 1-based): chr17:31,258,495, T>G. VCF-style: chr17-31258495-T-G. GRCh37 (hg19) VCF-style: chr17-29585513-T-G.
Other names: c.4262T>G, p.Met1421Arg (NM_000267.4); short protein forms M1421R, M1442R.
Identifiers: ClinVar variation 428976 (VCV000428976.6), dbSNP rs1131691097, ClinGen allele CA398998156.